The following is an entry in ClinVar:

ClinVar aggregate classification (germline): Benign. Review status: criteria provided, multiple submitters, no conflicts (2 of 4 stars). 2 submissions from 2 submitters: Benign (2). Last evaluated 2026-03-01.

Allele frequency attached by ClinVar (database versions not stated): ESP Exome Variant Server 0.00031; gnomAD exomes 0.00273 and 0.00920; TOPMed 0.00424; gnomAD 0.00427 and 0.00450; 1000 Genomes Project 0.00799; 1000 Genomes Project 30x 0.00812; ExAC 0.00812.
gnomAD v4.1: 4,700 of 1,614,194 alleles (0.29%); highest among the groups gnomAD compares: Admixed American, 2.4%; 60 homozygotes.

Submissions (2):

CeGaT Center for Human Genetics Tuebingen
Classification: Benign. Last evaluated: 2026-03-01. Review status: criteria provided, single submitter. Criteria: CeGaT Center For Human Genetics Tuebingen Variant Classification Criteria Version 2. Collection method: clinical testing. Allele origin: germline. Affected: yes. Observed: 1 variant allele.
Comment: KIF20A: BP4, BS1, BS2

Labcorp Genetics (formerly Invitae), Labcorp
Classification: Benign. Last evaluated: 2026-02-03. Review status: criteria provided, single submitter. Criteria: Invitae Variant Classification Sherloc (09022015). Collection method: clinical testing. Allele origin: germline.

NM_005733.3(KIF20A):c.187G>A (p.Glu63Lys)

Gene: KIF20A (kinesin family member 20A; plus strand). Cytogenetic location: 5q31.2.
Variant type: single nucleotide variant.
Coding change: c.187G>A on transcript NM_005733.3 (MANE Select); coding-DNA position 187, G replaced by A.
Protein change: p.Glu63Lys; replaces glutamic acid 63 with lysine.
Molecular consequence: missense variant.
Genome position (GRCh38, 1-based): chr5:138,181,443, G>A. VCF-style: chr5-138181443-G-A. GRCh37 (hg19) VCF-style: chr5-137517132-G-A.
Other names: short protein forms E63K.
Identifiers: ClinVar variation 708339 (VCV000708339.13), dbSNP rs3734116, ClinGen allele CA3426242.